The following is an entry in ClinVar:

NM_032043.3(BRIP1):c.932_935del (p.Tyr311fs)

Gene: BRIP1 (BRCA1 interacting DNA helicase 1; minus strand). Cytogenetic location: 17q23.2.
Variant type: Deletion.
Coding change: c.932_935del on transcript NM_032043.3 (MANE Select); coding-DNA positions 932 to 935, 4 bases deleted (ATTT; older notation c.932_935delATTT).
Protein change: p.Tyr311fs; shifts the reading frame from tyrosine 311.
Molecular consequence: frameshift variant.
Genome position (GRCh38, 1-based): chr17:61,801,458-61,801,461, AAAT deleted on the plus strand (ATTT on the coding strand, the reverse complement: BRIP1 is on the minus strand); deleting any 4 consecutive bases within chr17:61,801,458-61,801,462 gives the same sequence; the c. name uses the placement nearest the transcript's 3' end. VCF-style (leftmost placement, unchanged base first): chr17-61801457-AAAAT-A. GRCh37 (hg19) VCF-style: chr17-59878818-AAAAT-A.
Other names: c.932_935delATTT (NM_032043.2); short protein forms Y311fs.
Identifiers: ClinVar variation 548798 (VCV000548798.12), dbSNP rs1555607792, ClinGen allele CA658823908.

ClinVar aggregate classification (germline): Pathogenic. Review status: criteria provided, multiple submitters, no conflicts (2 of 4 stars). 4 submissions from 4 submitters: Pathogenic (3). 1 of the submissions does not count toward it. Last evaluated 2025-10-29.

Conditions:
Fanconi anemia complementation group J. Also called: BRIP1-Related Fanconi Anemia. Identifiers: Orphanet 84, MedGen C1836860, MONDO:0012187, OMIM 609054.
Ovarian cancer. Also called: OVARIAN CANCER, SOMATIC. Identifiers: Orphanet 213500, MedGen C1140680, MONDO:0008170, OMIM 167000.
Familial cancer of breast. Also called: BREAST CANCER, FAMILIAL; Hereditary breast cancer; hereditary breast carcinoma. Identifiers: Orphanet 227535, MedGen C0346153, MONDO:0016419, OMIM 114480. Disease mechanism: loss of function.
Hereditary cancer-predisposing syndrome. Also called: Neoplastic Syndromes, Hereditary; Hereditary neoplastic syndrome; Tumor predisposition; Hereditary Cancer Syndrome. Identifiers: Orphanet 140162, MedGen C0027672, MeSH D009386, MONDO:0015356.

Submissions (4):

Labcorp Genetics (formerly Invitae), Labcorp
Classification: Pathogenic for Familial cancer of breast; Fanconi anemia complementation group J. Last evaluated: 2025-10-29. Review status: criteria provided, single submitter. Criteria: Invitae Variant Classification Sherloc (09022015). Collection method: clinical testing. Allele origin: germline.
Comment: This sequence change creates a premature translational stop signal (p.Tyr311Phefs*26) in the BRIP1 gene. It is expected to result in an absent or disrupted protein product. Loss-of-function variants in BRIP1 are known to be pathogenic (PMID: 16116423, 17033622, 21964575). This variant is not present in population databases (gnomAD no frequency). This variant has not been reported in the literature in individuals affected with BRIP1-related conditions. ClinVar contains an entry for this variant (Variation ID: 548798). For these reasons, this variant has been classified as Pathogenic.

Myriad Genetics, Inc.
Classification: Pathogenic for Familial cancer of breast. Last evaluated: 2023-02-27. Review status: criteria provided, single submitter. Criteria: Myriad Autosomal Dominant, Autosomal Recessive and X-Linked Classification Criteria (2023). Collection method: clinical testing. Allele origin: unknown.
Comment: This variant is considered pathogenic. This variant creates a frameshift predicted to result in premature protein truncation.

Color Diagnostics, LLC DBA Color Health
Classification: Pathogenic for Hereditary cancer-predisposing syndrome. Last evaluated: 2022-11-21. Review status: criteria provided, single submitter. Criteria: ACMG Guidelines, 2015. Collection method: clinical testing. Allele origin: germline.
Comment: This variant deletes 4 nucleotides in exon 8 of the BRIP1 gene, creating a frameshift and premature translation stop signal. This variant is expected to result in an absent or non-functional protein product. To our knowledge, this variant has not been reported in individuals affected with BRIP1-related disorders in the literature. This variant has not been identified in the general population by the Genome Aggregation Database (gnomAD). Loss of BRIP1 function is a known mechanism of disease. Based on the available evidence, this variant is classified as Pathogenic.

Counsyl
Classification: Likely pathogenic for Fanconi anemia complementation group J; Ovarian cancer. Last evaluated: 2017-09-25. Review status: no assertion criteria provided. Collection method: clinical testing. Allele origin: unknown. Not counted in ClinVar's aggregate classification.

Literature cited by the submitters: PubMed 16116423 (cited by Labcorp Genetics (formerly Invitae), Labcorp); PubMed 17033622 (cited by Labcorp Genetics (formerly Invitae), Labcorp); PubMed 21964575 (cited by Labcorp Genetics (formerly Invitae), Labcorp).